The following is an entry in ClinVar:

ClinVar aggregate classification (germline): Uncertain significance (1 of 4 stars; one submission).

Conditions:
Charcot-Marie-Tooth disease type 2. Also called: Charcot-Marie-Tooth type 2. Identifiers: Orphanet 64746, MedGen C0270914, MONDO:0018993.

gnomAD v4.1: 2 of 1,614,044 alleles (0.00012%); highest among the groups gnomAD compares: South Asian, 0.0022%; no homozygotes.

Submission:

Labcorp Genetics (formerly Invitae), Labcorp
Classification: Uncertain significance for Charcot-Marie-Tooth disease type 2. Last evaluated: 2024-07-16. Review status: criteria provided, single submitter. Criteria: Invitae Variant Classification Sherloc (09022015). Collection method: clinical testing. Allele origin: germline.
Comment: This sequence change falls in intron 7 of the BSCL2 gene. It does not directly change the encoded amino acid sequence of the BSCL2 protein. It affects a nucleotide within the consensus splice site. This variant is present in population databases (rs372166360, gnomAD 0.006%). This variant has not been reported in the literature in individuals affected with BSCL2-related conditions. Variants that disrupt the consensus splice site are a relatively common cause of aberrant splicing (PMID: 17576681, 9536098). Algorithms developed to predict the effect of sequence changes on RNA splicing suggest that this variant is not likely to affect RNA splicing. In summary, the available evidence is currently insufficient to determine the role of this variant in disease. Therefore, it has been classified as a Variant of Uncertain Significance.

Literature cited by the submitters: PubMed 17576681; PubMed 9536098.

NM_001122955.4(BSCL2):c.1005+3C>G

Genes: BSCL2 (BSCL2 lipid droplet biogenesis associated, seipin; minus strand), HNRNPUL2-BSCL2 (HNRNPUL2-BSCL2 readthrough (NMD candidate); minus strand). Cytogenetic location: 11q12.3.
Variant type: single nucleotide variant.
Coding change: c.1005+3C>G on transcript NM_001122955.4 (MANE Select); 3 bases into the intron after coding-DNA position 1005, C replaced by G.
Molecular consequence: intron variant.
Genome position (GRCh38, 1-based): chr11:62,691,277, G>C on the plus strand (C>G on the coding strand, the complement: BSCL2 is on the minus strand). VCF-style: chr11-62691277-G-C. GRCh37 (hg19) VCF-style: chr11-62458749-G-C.
Other names: c.672-136C>G (NM_001130702.2); c.813+3C>G (NM_032667.6); c.1005+3C>G (NM_001386028.1, NM_001386027.1).
Identifiers: ClinVar variation 3708128 (VCV003708128.2).
Genomic context (GRCh38, chr11:62,691,277, plus strand): 5'-CAACATACCCCTGACCACCCACAAAGATCAAAGGGACAAAAGGGGGTCCTTGCCCCTTTC[G>C]ACCTGCAAAGAGAAGCGGTGTCGGGGCCAGATGCCCCCCCACACCCACTGCATGTAGCTG-3'